The following is an entry in ClinVar:

NM_198578.4(LRRK2):c.1826T>C (p.Leu609Pro)

Gene: LRRK2 (leucine rich repeat kinase 2; plus strand). Cytogenetic location: 12q12.
Variant type: single nucleotide variant.
Coding change: c.1826T>C on transcript NM_198578.4 (MANE Select); coding-DNA position 1826, T replaced by C.
Protein change: p.Leu609Pro; replaces leucine 609 with proline.
Molecular consequence: missense variant.
Genome position (GRCh38, 1-based): chr12:40,274,878, T>C. VCF-style: chr12-40274878-T-C. GRCh37 (hg19) VCF-style: chr12-40668680-T-C.
Other names: short protein forms L609P.
Identifiers: ClinVar variation 3292054 (VCV003292054.1).

ClinVar aggregate classification (germline): Uncertain significance (1 of 4 stars; one submission).

Conditions:
Inborn genetic diseases. Identifiers: MedGen C0950123, MeSH D030342.

Submission:

Ambry Genetics
Classification: Uncertain significance for Inborn genetic diseases. Last evaluated: 2024-06-04. Review status: criteria provided, single submitter. Criteria: Ambry Variant Classification Scheme 2023. Collection method: clinical testing. Allele origin: germline.
Comment: The p.L609P variant (also known as c.1826T>C), located in coding exon 16 of the LRRK2 gene, results from a T to C substitution at nucleotide position 1826. The leucine at codon 609 is replaced by proline, an amino acid with similar properties. This amino acid position is conserved. In addition, this alteration is predicted to be deleterious by in silico analysis. Based on the available evidence, the clinical significance of this variant remains unclear.